The following is an entry in ClinVar:

ClinVar aggregate classification (germline): Uncertain significance. Review status: criteria provided, multiple submitters, no conflicts (2 of 4 stars). 2 submissions from 2 submitters: Uncertain significance (2). Last evaluated 2024-06-10.

Conditions:
Sitosterolemia 2. Identifiers: MedGen C5231453, MONDO:0020748, OMIM 618666.
Short-rib thoracic dysplasia 15 with polydactyly (SRTD15). Identifiers: MedGen C4310724, MONDO:0014907, OMIM 617088.

Allele frequency attached by ClinVar (database versions not stated): 1000 Genomes Project 0.00020; 1000 Genomes Project 30x 0.00016.
gnomAD v4.1: 1 of 1,613,958 alleles (0.000062%); highest among the groups gnomAD compares: Non-Finnish European, 0.000085%; no homozygotes.

Submissions (2):

GeneDx
Classification: Uncertain significance. Last evaluated: 2024-06-10. Review status: criteria provided, single submitter. Criteria: GeneDx Variant Classification Process June 2021. Collection method: clinical testing. Allele origin: germline. Affected: yes.
Comment: Has not been previously published as pathogenic or benign to our knowledge; Not observed at significant frequency in large population cohorts (gnomAD); In silico analysis indicates that this missense variant does not alter protein structure/function

New York Genome Center
Classification: Uncertain significance for Sitosterolemia 2; Short-rib thoracic dysplasia 15 with polydactyly. Last evaluated: 2023-02-03. Review status: criteria provided, single submitter. Criteria: NYGC Assertion Criteria 2020. Collection method: clinical testing. Allele origin: germline. Observed: 1 variant allele.
Comment: The c.1340C>T variant in ABCG5 has not previously been reported in the literature or public variant repositories (ClinVar and LOVD). The c.1340C>T variant is observed in 2 alleles (~0.00061% minor allele frequency with 0 homozygotes) in population databases (gnomAD v2.1.1 and v3.1.2, TOPMed Freeze 8, All of Us), suggesting it is not a common benign variant in the populations represented in those databases. The c.1340C>T variant in ABCG5 is located in exon 10 of this 13-exon gene and predicted to replace an evolutionarily conserved alanine amino acid with valine at position 447 in the ABC transmembrane type-2 domain (388-645aa)[Uniport] of encoded protein. In silico predictions are inconclusive of the variant's (p.(Ala447Val)) effect [(CADD v1.6 = 25.1, REVEL = 0.437)]; however, there are no functional studies to support or refute these predictions. In the vicinity of identified (p.(Ala447Val)) variant, other hotspot p.(Arg446) residue variants within the ABC transmembrane type-2 domain of ABCG5 protein has been reported in the literature [PMID: 32166861] and in ClinVar [ClinVar ID: 843950] in individuals with Sitosterolemia. Based on available evidence this c.1340C>T, p.(Ala447Val) variant identified in ABCG5 is classified as a Variant of Uncertain Significance.

NM_022436.3(ABCG5):c.1340C>T (p.Ala447Val)

Genes: ABCG5 (ATP binding cassette subfamily G member 5; minus strand), DYNC2LI1 (dynein cytoplasmic 2 light intermediate chain 1; plus strand). Cytogenetic location: 2p21.
Variant type: single nucleotide variant.
Coding change: c.1340C>T on transcript NM_022436.3 (MANE Select); coding-DNA position 1340, C replaced by T.
Protein change: p.Ala447Val; replaces alanine 447 with valine.
Molecular consequence: missense variant. On other transcripts: intron variant (2).
Genome position (GRCh38, 1-based): chr2:43,822,920, G>A on the plus strand (C>T on the coding strand, the complement: ABCG5 is on the minus strand). VCF-style: chr2-43822920-G-A. GRCh37 (hg19) VCF-style: chr2-44050059-G-A.
Other names: c.*16-4466G>A (NM_001348913.2, NM_001348912.2); short protein forms A447V.
Identifiers: ClinVar variation 2584573 (VCV002584573.2), dbSNP rs200373089, ClinGen allele CA1636301.
Genomic context (GRCh38, chr2:43,822,920, plus strand): 5'-TAGGCCAGCATCATCTGCCACTTCTGGTAGAGGCCGTCCTGACTCTCCTGGTCGCTGACA[G>A]CTCGCAGCACGGGAACTGGGGATGGAAGGCAGGTTTCAGAACAGTCAGTCACCACCCAGC-3'
Protein context (NP_071881.1, residues 437-457): NAVNLFPVLR[Ala447Val]VSDQESQDGL